The following is an entry in ClinVar:

ClinVar aggregate classification (germline): Likely benign (1 of 4 stars; one submission).

Submission:

CeGaT Center for Human Genetics Tuebingen
Classification: Likely benign. Last evaluated: 2022-08-01. Review status: criteria provided, single submitter. Criteria: CeGaT Center For Human Genetics Tuebingen Variant Classification Criteria Version 2. Collection method: clinical testing. Allele origin: germline. Affected: yes. Observed: 1 variant allele.
Comment: SZT2: PM2:Supporting, BP4, BP7

NM_001365999.1(SZT2):c.9501G>A (p.Leu3167=)

Genes: SZT2 (SZT2 subunit of KICSTOR complex; plus strand), SZT2-AS1 (SZT2 antisense RNA 1; minus strand). Cytogenetic location: 1p34.2.
Variant type: single nucleotide variant.
Coding change: c.9501G>A on transcript NM_001365999.1 (MANE Select); coding-DNA position 9501, G replaced by A.
Protein change: p.Leu3167=; no amino-acid change (leucine 3167 retained).
Molecular consequence: synonymous variant. On other transcripts: non-coding transcript variant (1).
Genome position (GRCh38, 1-based): chr1:43,447,909, G>A. VCF-style: chr1-43447909-G-A. GRCh37 (hg19) VCF-style: chr1-43913580-G-A.
Other names: c.9330G>A, p.Leu3110= (NM_015284.4); c.942G>A, p.Leu314= (NM_024547.1).
Identifiers: ClinVar variation 2638756 (VCV002638756.24), dbSNP rs2545868783, ClinGen allele CA417551686.
Genomic context (GRCh38, chr1:43,447,909, plus strand): 5'-TTCTGGCTCCTACCTGGACTCTGAGGGACTTCGACACCAGGATGACTTTGATGTGTCTCT[G>A]CTTGTCTGTCACTGTGCTGCACCCTTTGAGGAGCAAGGAGAGGCTGAGCGGCACGTTCTG-3'
Protein context (NP_001352928.1, residues 3157-3177): LRHQDDFDVS[Leu3167=]LVCHCAAPFE